The following is an entry in ClinVar:

NM_000374.5(UROD):c.424C>T (p.Arg142Ter)

Gene: UROD (uroporphyrinogen decarboxylase; plus strand). Cytogenetic location: 1p34.1.
Variant type: single nucleotide variant.
Coding change: c.424C>T on transcript NM_000374.5 (MANE Select); coding-DNA position 424, C replaced by T.
Protein change: p.Arg142Ter; replaces arginine 142 with a stop codon.
Molecular consequence: nonsense. On other transcripts: non-coding transcript variant (3).
Genome position (GRCh38, 1-based): chr1:45,013,741, C>T. VCF-style: chr1-45013741-C-T. GRCh37 (hg19) VCF-style: chr1-45479413-C-T.
Other names: p.Arg142*; short protein forms R142*.
Identifiers: ClinVar variation 1436524 (VCV001436524.8), dbSNP rs780227281, ClinGen allele CA825241.
Genomic context (GRCh38, chr1:45,013,741, plus strand): 5'-CGGGATCCAGAAGTGGTAGCCTCTGAGCTAGGCTATGTGTTCCAAGCCATCACCCTTACC[C>T]GACAACGACTGGCTGGACGTGTGCCGCTGATTGGCTTTGCTGGTGCCCCAGTAATGTGGG-3'

ClinVar aggregate classification (germline): Pathogenic/Likely pathogenic. Review status: criteria provided, multiple submitters, no conflicts (2 of 4 stars). 3 submissions from 3 submitters: Pathogenic (2); Likely pathogenic (1). Last evaluated 2026-01-06.

Conditions:
Familial porphyria cutanea tarda (PCT). Also called: PCT, ''FAMILIAL'' TYPE; PCT, TYPE II; PORPHYRIA CUTANEA TARDA, TYPE II; PORPHYRIA, HEPATOCUTANEOUS TYPE; UROD DEFICIENCY; UROPORPHYRINOGEN DECARBOXYLASE DEFICIENCY. Identifiers: Orphanet 101330, Orphanet 443062, MedGen C0268323, MONDO:0008296, OMIM 176100.

Allele frequency attached by ClinVar (database versions not stated): ExAC 0.00001; gnomAD 0.00001; gnomAD exomes 0.00001 and 0.00002.
gnomAD v4.1: 28 of 1,614,012 alleles (0.0017%); highest among the groups gnomAD compares: Non-Finnish European, 0.0023%; no homozygotes.

Submissions (3):

Labcorp Genetics (formerly Invitae), Labcorp
Classification: Pathogenic. Last evaluated: 2026-01-06. Review status: criteria provided, single submitter. Criteria: Invitae Variant Classification Sherloc (09022015). Collection method: clinical testing. Allele origin: germline.
Comment: This sequence change creates a premature translational stop signal (p.Arg142*) in the UROD gene. It is expected to result in an absent or disrupted protein product. Loss-of-function variants in UROD are known to be pathogenic (PMID: 1634232, 17240319, 19233912, 19419417, 23545314). This variant is present in population databases (rs780227281, gnomAD 0.002%). This premature translational stop signal has been observed in individual(s) with clinical features of porphyria cutanea tarda (PMID: 10338097). ClinVar contains an entry for this variant (Variation ID: 1436524). For these reasons, this variant has been classified as Pathogenic.

Mayo Clinic Laboratories, Mayo Clinic
Classification: Pathogenic. Last evaluated: 2023-11-16. Review status: criteria provided, single submitter. Criteria: ACMG Guidelines, 2015. Collection method: clinical testing. Allele origin: germline.
Comment: PP4, PM2_moderate, PVS1

Neuberg Centre For Genomic Medicine, NCGM
Classification: Likely pathogenic for Familial porphyria cutanea tarda. Last evaluated: 2023-06-22. Review status: criteria provided, single submitter. Criteria: ACMG Guidelines, 2015. Collection method: clinical testing. Allele origin: germline. Inheritance: Autosomal recessive inheritance. Affected: yes.
Comment: The observed stop gained c.424C>T(p.Arg142Ter) variant in UROD gene has been reported previously in compound heterozygous state in individual(s) affected with porphyria cutanea tarda (McManus et al., 1999). This variant is reported with the allele frequency of 0.0008% in the gnomAD Exomes. This variant has been reported to the ClinVar database as Pathogenic. This variant is predicted to cause loss of normal protein function either through protein truncation or nonsense-mediated mRNA decay. Loss of function variants have been previously reported to be disease causing (Gómez-Abecia et al., 2013). Computational evidence (MutationTaster - Disease causing automatic) predicts damaging effect on protein structure and function for this variant. For these reasons, this variant has been classified as Likely Pathogenic.

Literature cited by the submitters: PubMed 1634232 (cited by Labcorp Genetics (formerly Invitae), Labcorp); PubMed 17240319 (cited by Labcorp Genetics (formerly Invitae), Labcorp); PubMed 19233912 (cited by Labcorp Genetics (formerly Invitae), Labcorp); PubMed 19419417 (cited by Labcorp Genetics (formerly Invitae), Labcorp); PubMed 23545314 (cited by Labcorp Genetics (formerly Invitae), Labcorp); PubMed 10338097 (cited by Labcorp Genetics (formerly Invitae), Labcorp and Mayo Clinic Laboratories, Mayo Clinic).